The following is an entry in ClinVar:

NM_022552.5(DNMT3A):c.855G>A (p.Glu285=)

Gene: DNMT3A (DNA methyltransferase 3 alpha; minus strand). Cytogenetic location: 2p23.3.
Variant type: single nucleotide variant.
Coding change: c.855G>A on transcript NM_022552.5 (MANE Select); coding-DNA position 855, G replaced by A.
Protein change: p.Glu285=; no amino-acid change (glutamic acid 285 retained).
Molecular consequence: synonymous variant. On other transcripts: non-coding transcript variant (1).
Genome position (GRCh38, 1-based): chr2:25,248,037, C>T on the plus strand (G>A on the coding strand, the complement: DNMT3A is on the minus strand). VCF-style: chr2-25248037-C-T. GRCh37 (hg19) VCF-style: chr2-25470906-C-T.
Other names: c.855G>A, p.Glu285= (NM_175629.2); c.399G>A, p.Glu133= (NM_001320893.1); c.186G>A, p.Glu62= (NM_001375819.1); c.288G>A, p.Glu96= (NM_153759.3).
Identifiers: ClinVar variation 639320 (VCV000639320.11), dbSNP rs1573342453, ClinGen allele CA425353532.

ClinVar aggregate classification (germline): Uncertain significance. Review status: criteria provided, multiple submitters, no conflicts (2 of 4 stars). 2 submissions from 2 submitters: Uncertain significance (2). Last evaluated 2025-08-29.

Conditions:
Tatton-Brown-Rahman overgrowth syndrome. Also called: Tall stature-intellectual disability-facial dysmorphism syndrome; Tatton-Brown-Rahman syndrome. Identifiers: Orphanet 404443, MedGen C4014545, MONDO:0014382, OMIM 615879.

Submissions (2):

GeneDx
Classification: Uncertain significance. Last evaluated: 2025-08-29. Review status: criteria provided, single submitter. Criteria: GeneDx Variant Classification Process June 2021. Collection method: clinical testing. Allele origin: germline. Affected: yes.
Comment: Not observed at significant frequency in large population cohorts (gnomAD); In silico analysis suggests this variant may impact gene splicing. In the absence of RNA/functional studies, the actual effect of this sequence change is unknown.; Has not been previously published as pathogenic or benign to our knowledge

Labcorp Genetics (formerly Invitae), Labcorp
Classification: Uncertain significance for Tatton-Brown-Rahman overgrowth syndrome. Last evaluated: 2024-02-17. Review status: criteria provided, single submitter. Criteria: Invitae Variant Classification Sherloc (09022015). Collection method: clinical testing. Allele origin: germline.
Comment: This sequence change affects codon 285 of the DNMT3A mRNA. It is a 'silent' change, meaning that it does not change the encoded amino acid sequence of the DNMT3A protein. This variant also falls at the last nucleotide of exon 7, which is part of the consensus splice site for this exon. This variant is not present in population databases (gnomAD no frequency). This variant has not been reported in the literature in individuals affected with DNMT3A-related conditions. ClinVar contains an entry for this variant (Variation ID: 639320). Variants that disrupt the consensus splice site are a relatively common cause of aberrant splicing (PMID: 17576681, 9536098). Algorithms developed to predict the effect of sequence changes on RNA splicing suggest that this variant may disrupt the consensus splice site. In summary, the available evidence is currently insufficient to determine the role of this variant in disease. Therefore, it has been classified as a Variant of Uncertain Significance.

Literature cited by the submitters: PubMed 17576681 (cited by Labcorp Genetics (formerly Invitae), Labcorp); PubMed 9536098 (cited by Labcorp Genetics (formerly Invitae), Labcorp).